The following is an entry in ClinVar:

NM_021930.6(RINT1):c.1971C>G (p.Asp657Glu)

Genes: EFCAB10 (EF-hand calcium binding domain 10; minus strand), RINT1 (RAD50 interactor 1; plus strand). Cytogenetic location: 7q22.3.
Variant type: single nucleotide variant.
Coding change: c.1971C>G on transcript NM_021930.6 (MANE Select); coding-DNA position 1971, C replaced by G.
Protein change: p.Asp657Glu; replaces aspartic acid 657 with glutamic acid.
Molecular consequence: missense variant. On other transcripts: 3 prime UTR variant (3), non-coding transcript variant (1).
Genome position (GRCh38, 1-based): chr7:105,565,361, C>G. VCF-style: chr7-105565361-C-G. GRCh37 (hg19) VCF-style: chr7-105205808-C-G.
Other names: c.*86G>C (NM_001355526.2); c.*188G>C (NM_001355530.2); c.*41G>C (NM_001355531.2); c.1737C>G, p.Asp579Glu (NM_001346599.2); c.948C>G, p.Asp316Glu (NM_001346600.2, NM_001346603.2); c.1047C>G, p.Asp349Glu (NM_001346601.2); short protein forms D316E, D579E, D657E, D349E.
Identifiers: ClinVar variation 1783626 (VCV001783626.6), dbSNP rs141684814, ClinGen allele CA4426826.
Genomic context (GRCh38, chr7:105,565,361, plus strand): 5'-AGAGCAGGCAGTGATGTCCCTGTCCAGTTCGGCTTGCCCGTTGCTGCTGACGTTACGAGA[C>G]CATTTACTTCAGTTGGAGCAGCAGCTTTGTTTCTCCTTATTTAAAATTTTCTGGCAAATG-3'
Protein context (NP_068749.3, residues 647-667): SACPLLLTLR[Asp657Glu]HLLQLEQQLC

ClinVar aggregate classification (germline): Uncertain significance. Review status: criteria provided, multiple submitters, no conflicts (2 of 4 stars). 2 submissions from 2 submitters: Uncertain significance (2). Last evaluated 2025-06-28.

Allele frequency attached by ClinVar (database versions not stated): gnomAD exomes below 0.00001; ExAC 0.00001; TOPMed 0.00001; ESP Exome Variant Server 0.00008.
gnomAD v4.1: 5 of 1,614,156 alleles (0.00031%); highest among the groups gnomAD compares: Non-Finnish European, 0.00017%; no homozygotes.

Submissions (2):

Ambry Genetics
Classification: Uncertain significance. Last evaluated: 2025-06-28. Review status: criteria provided, single submitter. Criteria: Ambry Variant Classification Scheme 2023. Collection method: clinical testing. Allele origin: germline.
Comment: The p.D657E variant (also known as c.1971C>G), located in coding exon 13 of the RINT1 gene, results from a C to G substitution at nucleotide position 1971. The aspartic acid at codon 657 is replaced by glutamic acid, an amino acid with highly similar properties. This amino acid position is conserved. In addition, this alteration is predicted to be tolerated by in silico analysis. Since supporting evidence is limited at this time, the clinical significance of this alteration remains unclear.

Labcorp Genetics (formerly Invitae), Labcorp
Classification: Uncertain significance. Last evaluated: 2022-11-17. Review status: criteria provided, single submitter. Criteria: Invitae Variant Classification Sherloc (09022015). Collection method: clinical testing. Allele origin: germline.
Comment: In summary, the available evidence is currently insufficient to determine the role of this variant in disease. Therefore, it has been classified as a Variant of Uncertain Significance. Algorithms developed to predict the effect of missense changes on protein structure and function are either unavailable or do not agree on the potential impact of this missense change (SIFT: "Tolerated"; PolyPhen-2: "Possibly Damaging"; Align-GVGD: "Class C0"). This variant has not been reported in the literature in individuals affected with RINT1-related conditions. This variant is present in population databases (rs141684814, gnomAD 0.03%). This sequence change replaces aspartic acid, which is acidic and polar, with glutamic acid, which is acidic and polar, at codon 657 of the RINT1 protein (p.Asp657Glu).